The following is an entry in ClinVar:

ClinVar aggregate classification (germline): Uncertain significance (1 of 4 stars; one submission).

Submission:

GeneDx
Classification: Uncertain significance. Last evaluated: 2021-04-26. Review status: criteria provided, single submitter. Criteria: GeneDx Variant Classification Process June 2021. Collection method: clinical testing. Allele origin: germline. Affected: yes.
Comment: In silico analysis supports that this missense variant has a deleterious effect on protein structure/function; Has not been previously published as pathogenic or benign to our knowledge

NM_000260.4(MYO7A):c.5737G>A (p.Asp1913Asn)

Gene: MYO7A (myosin VIIA; plus strand). Cytogenetic location: 11q13.5.
Variant type: single nucleotide variant.
Coding change: c.5737G>A on transcript NM_000260.4 (MANE Select); coding-DNA position 5737, G replaced by A.
Protein change: p.Asp1913Asn; replaces aspartic acid 1913 with asparagine.
Molecular consequence: missense variant.
Genome position (GRCh38, 1-based): chr11:77,206,197, G>A. VCF-style: chr11-77206197-G-A. GRCh37 (hg19) VCF-style: chr11-76917242-G-A.
Other names: c.5623G>A, p.Asp1875Asn (NM_001127180.2); c.5590G>A, p.Asp1864Asn (NM_001369365.1); short protein forms D1864N, D1875N, D1913N.
Identifiers: ClinVar variation 1314840 (VCV001314840.2), dbSNP rs1225397173, ClinGen allele CA381953383.